The following is an entry in ClinVar:

ClinVar aggregate classification (germline): Pathogenic (1 of 4 stars; one submission).

Submission:

Labcorp Genetics (formerly Invitae), Labcorp
Classification: Pathogenic. Last evaluated: 2024-08-12. Review status: criteria provided, single submitter. Criteria: Invitae Variant Classification Sherloc (09022015). Collection method: clinical testing. Allele origin: germline.
Comment: This sequence change creates a premature translational stop signal (p.Tyr83Thrfs*28) in the COQ6 gene. It is expected to result in an absent or disrupted protein product. Loss-of-function variants in COQ6 are known to be pathogenic (PMID: 21540551, 24140869). This variant is not present in population databases (gnomAD no frequency). This premature translational stop signal has been observed in individual(s) with COQ6-related conditions (PMID: 31328266). ClinVar contains an entry for this variant (Variation ID: 2128621). For these reasons, this variant has been classified as Pathogenic.

Literature cited by the submitters: PubMed 21540551; PubMed 24140869; PubMed 31328266.

NM_182476.3(COQ6):c.247del (p.Tyr83fs)

Gene: COQ6 (coenzyme Q6, monooxygenase; plus strand). Cytogenetic location: 14q24.3.
Variant type: Deletion.
Coding change: c.247del on transcript NM_182476.3 (MANE Select); coding-DNA position 247, one base deleted (T; older notation c.247delT).
Protein change: p.Tyr83fs; shifts the reading frame from tyrosine 83.
Molecular consequence: frameshift variant.
Genome position (GRCh38, 1-based): chr14:73,953,518, T deleted; the last of 2 consecutive T bases (chr14:73,953,517-73,953,518); deleting either gives the same sequence. VCF-style (leftmost placement, unchanged base first): chr14-73953516-CT-C. GRCh37 (hg19) VCF-style: chr14-74420219-CT-C.
Other names: c.172del, p.Tyr58fs (NM_182480.3); short protein forms Y58fs, Y83fs.
Identifiers: ClinVar variation 2128621 (VCV002128621.4), dbSNP rs2502985399, ClinGen allele CA2580088698.
Genomic context (GRCh38, chr14:73,953,516, plus strand): 5'-ACAAGAAAATCCTGTTGCTCGAAGCAGGTCCAAAGAAAGTACTGGAGAAATTGTCAGAAA[CT>C]TACAGCAACAGGGTCAGCTCCATTTCCCCTGGCTCTGCAACGCTTCTCAGTAGTGAGTAG-3'